The following is an entry in ClinVar:

ClinVar aggregate classification (germline): Uncertain significance. Review status: criteria provided, multiple submitters, no conflicts (2 of 4 stars). 4 submissions from 4 submitters: Uncertain significance (4). Last evaluated 2025-09-17.

Conditions:
EGR2-related disorder. Also called: EGR2-related condition.
Charcot-Marie-Tooth disease, type I (CMT1). Also called: Charcot-Marie-Tooth disease type 1; Charcot-Marie-Tooth, Type 1. Identifiers: Orphanet 65753, MedGen C0751036, MONDO:0019011.

Allele frequency attached by ClinVar (database versions not stated): gnomAD exomes below 0.00001; ExAC 0.00001; TOPMed 0.00002.
gnomAD v4.1: 4 of 1,613,982 alleles (0.00025%); highest among the groups gnomAD compares: African/African-American, 0.0013%; no homozygotes.

Submissions (4):

PreventionGenetics, part of Exact Sciences
Classification: Uncertain significance for EGR2-related condition. Last evaluated: 2025-09-17. Review status: criteria provided, single submitter. Criteria: ACMG Guidelines, 2015. Collection method: clinical testing. Allele origin: germline.
Comment: The EGR2 c.469A>T variant is predicted to result in the amino acid substitution p.Thr157Ser. To our knowledge, this variant has not been reported in the literature. This variant is reported in 0.0062% of alleles in individuals of African descent in gnomAD. At this time, the clinical significance of this variant is uncertain due to the absence of conclusive functional and genetic evidence.

Labcorp Genetics (formerly Invitae), Labcorp
Classification: Uncertain significance for Charcot-Marie-Tooth disease, type I. Last evaluated: 2025-09-10. Review status: criteria provided, single submitter. Criteria: Invitae Variant Classification Sherloc (09022015). Collection method: clinical testing. Allele origin: germline.
Comment: This sequence change replaces threonine, which is neutral and polar, with serine, which is neutral and polar, at codon 157 of the EGR2 protein (p.Thr157Ser). This variant is present in population databases (rs753956133, gnomAD 0.007%). This variant has not been reported in the literature in individuals affected with EGR2-related conditions. ClinVar contains an entry for this variant (Variation ID: 2141192). Invitae Evidence Modeling of protein sequence and biophysical properties (such as structural, functional, and spatial information, amino acid conservation, physicochemical variation, residue mobility, and thermodynamic stability) indicates that this missense variant is not expected to disrupt EGR2 protein function with a negative predictive value of 80%. In summary, the available evidence is currently insufficient to determine the role of this variant in disease. Therefore, it has been classified as a Variant of Uncertain Significance.

Women's Health and Genetics/Laboratory Corporation of America, LabCorp
Classification: Uncertain significance. Last evaluated: 2025-07-21. Review status: criteria provided, single submitter. Criteria: LabCorp Variant Classification Summary - May 2015. Collection method: clinical testing. Allele origin: germline.
Comment: Variant summary: EGR2 c.469A>T (p.Thr157Ser) results in a conservative amino acid change in the encoded protein sequence. Algorithms developed to predict the effect of missense changes on protein structure and function all suggest that this variant is likely to be tolerated. The variant allele was found at a frequency of 4e-06 in 251238 control chromosomes. The available data on variant occurrences in the general population are insufficient to allow any conclusion about variant significance. To our knowledge, no occurrence of c.469A>T in individuals affected with EGR2-Related Disorders and no experimental evidence demonstrating its impact on protein function have been reported. ClinVar contains an entry for this variant (Variation ID: 2141192). Based on the evidence outlined above, the variant was classified as uncertain significance.

Athena Diagnostics
Classification: Uncertain significance. Last evaluated: 2022-10-20. Review status: criteria provided, single submitter. Criteria: Athena Diagnostics Criteria. Collection method: clinical testing. Allele origin: unknown.
Comment: Available data are insufficient to determine the clinical significance of the variant at this time. The frequency of this variant in the general population is uninformative in assessment of its pathogenicity. Computational tools predict that this variant is not damaging.

NM_000399.5(EGR2):c.469A>T (p.Thr157Ser)

Gene: EGR2 (early growth response 2; minus strand). Cytogenetic location: 10q21.3.
Variant type: single nucleotide variant.
Coding change: c.469A>T on transcript NM_000399.5 (MANE Select); coding-DNA position 469, A replaced by T.
Protein change: p.Thr157Ser; replaces threonine 157 with serine.
Molecular consequence: missense variant.
Genome position (GRCh38, 1-based): chr10:62,814,169, T>A on the plus strand (A>T on the coding strand, the complement: EGR2 is on the minus strand). VCF-style: chr10-62814169-T-A. GRCh37 (hg19) VCF-style: chr10-64573929-T-A.
Other names: c.469A>T (NM_000399.4); c.469A>T, p.Thr157Ser (NM_001136177.3, NM_001136178.2); c.319A>T, p.Thr107Ser (NM_001136179.3, NM_001321037.2); c.508A>T, p.Thr170Ser (NM_001410931.1); short protein forms T107S, T157S, T170S.
Identifiers: ClinVar variation 2141192 (VCV002141192.7), dbSNP rs753956133, ClinGen allele CA5517271.